The following is an entry in ClinVar:

ClinVar aggregate classification (germline): Uncertain significance (1 of 4 stars; one submission).

Allele frequency attached by ClinVar (database versions not stated): gnomAD exomes 0.00001.
gnomAD v4.1: 7 of 1,614,142 alleles (0.00043%); highest among the groups gnomAD compares: Non-Finnish European, 0.00059%; no homozygotes.

Submission:

Labcorp Genetics (formerly Invitae), Labcorp
Classification: Uncertain significance. Last evaluated: 2022-06-10. Review status: criteria provided, single submitter. Criteria: Invitae Variant Classification Sherloc (09022015). Collection method: clinical testing. Allele origin: germline.
Comment: In summary, the available evidence is currently insufficient to determine the role of this variant in disease. Therefore, it has been classified as a Variant of Uncertain Significance. Algorithms developed to predict the effect of missense changes on protein structure and function output the following: SIFT: "Tolerated"; PolyPhen-2: "Benign"; Align-GVGD: "Class C0". The alanine amino acid residue is found in multiple mammalian species, which suggests that this missense change does not adversely affect protein function. This variant has not been reported in the literature in individuals affected with TET2-related conditions. This variant is not present in population databases (gnomAD no frequency). This sequence change replaces threonine, which is neutral and polar, with alanine, which is neutral and non-polar, at codon 849 of the TET2 protein (p.Thr849Ala).

NM_001127208.3(TET2):c.2545A>G (p.Thr849Ala)

Genes: TET2 (tet methylcytosine dioxygenase 2; plus strand), TET2-AS1 (TET2 antisense RNA 1; minus strand). Cytogenetic location: 4q24.
Variant type: single nucleotide variant.
Coding change: c.2545A>G on transcript NM_001127208.3 (MANE Select); coding-DNA position 2545, A replaced by G.
Protein change: p.Thr849Ala; replaces threonine 849 with alanine.
Molecular consequence: missense variant.
Genome position (GRCh38, 1-based): chr4:105,236,487, A>G. VCF-style: chr4-105236487-A-G. GRCh37 (hg19) VCF-style: chr4-106157644-A-G.
Other names: c.2545A>G, p.Thr849Ala (NM_017628.4); short protein forms T849A.
Identifiers: ClinVar variation 2000195 (VCV002000195.4), dbSNP rs2476501628, ClinGen allele CA357799542.